The following is an entry in ClinVar:

NM_018646.6(TRPV6):c.1376C>T (p.Thr459Ile)

Gene: TRPV6 (transient receptor potential cation channel subfamily V member 6; minus strand). Cytogenetic location: 7q34.
Variant type: single nucleotide variant.
Coding change: c.1376C>T on transcript NM_018646.6 (MANE Select); coding-DNA position 1376, C replaced by T.
Protein change: p.Thr459Ile; replaces threonine 459 with isoleucine.
Molecular consequence: missense variant.
Genome position (GRCh38, 1-based): chr7:142,874,934, G>A on the plus strand (C>T on the coding strand, the complement: TRPV6 is on the minus strand). VCF-style: chr7-142874934-G-A. GRCh37 (hg19) VCF-style: chr7-142572687-G-A.
Other names: short protein forms T459I.
Identifiers: ClinVar variation 3663908 (VCV003663908.2).

ClinVar aggregate classification (germline): Uncertain significance (1 of 4 stars; one submission).

Submission:

Labcorp Genetics (formerly Invitae), Labcorp
Classification: Uncertain significance. Last evaluated: 2024-08-29. Review status: criteria provided, single submitter. Criteria: Invitae Variant Classification Sherloc (09022015). Collection method: clinical testing. Allele origin: germline.
Comment: This sequence change replaces threonine, which is neutral and polar, with isoleucine, which is neutral and non-polar, at codon 459 of the TRPV6 protein (p.Thr459Ile). This variant is not present in population databases (gnomAD no frequency). This variant has not been reported in the literature in individuals affected with TRPV6-related conditions. Experimental studies and prediction algorithms are not available or were not evaluated, and the functional significance of this variant is currently unknown. In summary, the available evidence is currently insufficient to determine the role of this variant in disease. Therefore, it has been classified as a Variant of Uncertain Significance.